The following is an entry in ClinVar:

NM_001041.4(SI):c.611T>C (p.Ile204Thr)

Gene: SI (sucrase-isomaltase; minus strand). Cytogenetic location: 3q26.1.
Variant type: single nucleotide variant.
Coding change: c.611T>C on transcript NM_001041.4 (MANE Select); coding-DNA position 611, T replaced by C.
Protein change: p.Ile204Thr; replaces isoleucine 204 with threonine.
Molecular consequence: missense variant.
Genome position (GRCh38, 1-based): chr3:165,067,364, A>G on the plus strand (T>C on the coding strand, the complement: SI is on the minus strand). VCF-style: chr3-165067364-A-G. GRCh37 (hg19) VCF-style: chr3-164785152-A-G.
Other names: short protein forms I204T.
Identifiers: ClinVar variation 899643 (VCV000899643.9), dbSNP rs377040463, ClinGen allele CA2691422.

ClinVar aggregate classification (germline): Uncertain significance. Review status: criteria provided, multiple submitters, no conflicts (2 of 4 stars). 4 submissions from 4 submitters: Uncertain significance (4). Last evaluated 2025-10-24.

Conditions:
SI-related disorder. Also called: SI-related condition.
Inborn genetic diseases. Identifiers: MedGen C0950123, MeSH D030342.
Sucrase-isomaltase deficiency (CSID). Also called: SI DEFICIENCY; Congenital sucrose isomaltose malabsorption; Sucrose isomaltose enzyme deficiency; Deficiency of isomaltase. Identifiers: Orphanet 35122, MedGen C1283620, MONDO:0009114, OMIM 222900.

Allele frequency attached by ClinVar (database versions not stated): gnomAD 0.00001; gnomAD exomes 0.00002; ExAC 0.00003; ESP Exome Variant Server 0.00008.
gnomAD v4.1: 19 of 1,610,790 alleles (0.0012%); highest among the groups gnomAD compares: Non-Finnish European, 0.0016%; no homozygotes.

Submissions (4):

Ambry Genetics
Classification: Uncertain significance for Inborn genetic diseases. Last evaluated: 2025-10-24. Review status: criteria provided, single submitter. Criteria: Ambry Variant Classification Scheme 2023. Collection method: clinical testing. Allele origin: germline.

PreventionGenetics, part of Exact Sciences
Classification: Uncertain significance for SI-related condition. Last evaluated: 2024-11-01. Review status: criteria provided, single submitter. Criteria: ACMG Guidelines, 2015. Collection method: clinical testing. Allele origin: germline.
Comment: The SI c.611T>C variant is predicted to result in the amino acid substitution p.Ile204Thr. To our knowledge, this variant has not been reported in the literature. This variant is reported in 0.0039% of alleles in individuals of European (Non-Finnish) descent in gnomAD. At this time, the clinical significance of this variant is uncertain due to the absence of conclusive functional and genetic evidence.

Labcorp Genetics (formerly Invitae), Labcorp
Classification: Uncertain significance. Last evaluated: 2023-12-21. Review status: criteria provided, single submitter. Criteria: Invitae Variant Classification Sherloc (09022015). Collection method: clinical testing. Allele origin: germline.
Comment: This sequence change replaces isoleucine, which is neutral and non-polar, with threonine, which is neutral and polar, at codon 204 of the SI protein (p.Ile204Thr). This variant is present in population databases (rs377040463, gnomAD 0.004%). This variant has not been reported in the literature in individuals affected with SI-related conditions. ClinVar contains an entry for this variant (Variation ID: 899643). Algorithms developed to predict the effect of missense changes on protein structure and function output the following: SIFT: "Not Available"; PolyPhen-2: "Benign"; Align-GVGD: "Not Available". The threonine amino acid residue is found in multiple mammalian species, which suggests that this missense change does not adversely affect protein function. In summary, the available evidence is currently insufficient to determine the role of this variant in disease. Therefore, it has been classified as a Variant of Uncertain Significance.

Illumina Laboratory Services, Illumina
Classification: Uncertain significance for Sucrase-isomaltase deficiency. Last evaluated: 2018-01-13. Review status: criteria provided, single submitter. Criteria: ICSL Variant Classification Criteria 13 December 2019. Collection method: clinical testing. Allele origin: germline.